The following is an entry in ClinVar:

NM_015272.5(RPGRIP1L):c.1658A>G (p.His553Arg)

Gene: RPGRIP1L (RPGRIP1 like; minus strand). Cytogenetic location: 16q12.2.
Variant type: single nucleotide variant.
Coding change: c.1658A>G on transcript NM_015272.5 (MANE Select); coding-DNA position 1658, A replaced by G.
Protein change: p.His553Arg; replaces histidine 553 with arginine.
Molecular consequence: missense variant.
Genome position (GRCh38, 1-based): chr16:53,656,513, T>C on the plus strand (A>G on the coding strand, the complement: RPGRIP1L is on the minus strand). VCF-style: chr16-53656513-T-C. GRCh37 (hg19) VCF-style: chr16-53690425-T-C.
Other names: c.1658A>G, p.His553Arg (NM_001127897.4, NM_001308334.3, NM_001330538.2); short protein forms H553R.
Identifiers: ClinVar variation 5005597 (VCV005005597.2).

ClinVar aggregate classification (germline): Likely benign (1 of 4 stars; one submission).

Conditions:
COACH syndrome 3. Identifiers: MedGen C5436841, MONDO:0030862, OMIM 619113.
Joubert syndrome 7 (JBTS7). Identifiers: Orphanet 220497, MedGen C1969053, MONDO:0012694, OMIM 611560.
Meckel syndrome, type 5 (MKS5). Identifiers: Orphanet 564, MedGen C1969052, MONDO:0012695, OMIM 611561.

gnomAD v4.1: 38 of 1,613,904 alleles (0.0024%); highest among the groups gnomAD compares: East Asian, 0.08%; no homozygotes.

Submission:

Juno Genomics, Hangzhou Juno Genomics, Inc
Classification: Likely benign for COACH syndrome 3; Joubert syndrome 7; Meckel syndrome, type 5. Review status: criteria provided, single submitter. Criteria: ACMG Guidelines, 2015. Collection method: clinical testing. Allele origin: germline.
Comment: Absent from controls (or at extremely low frequency if recessive) in Genome Aggregation Database.;Multiple lines of computational evidence suggest no impact on gene or gene product.